The following is an entry in ClinVar:

ClinVar aggregate classification (germline): Pathogenic/Likely pathogenic. Review status: criteria provided, multiple submitters, no conflicts (2 of 4 stars). 4 submissions from 4 submitters: Pathogenic (1); Likely pathogenic (3). Last evaluated 2025-04-30.

Conditions:
Muscular dystrophy-dystroglycanopathy (congenital with brain and eye anomalies), type a, 12 (MDDGA12). Also called: WALKER-WARBURG SYNDROME OR MUSCLE-EYE-BRAIN DISEASE, POMK-RELATED. Identifiers: Orphanet 899, MedGen C3808964, MONDO:0014101, OMIM 615249.
Limb-girdle muscular dystrophy due to POMK deficiency. Also called: MUSCULAR DYSTROPHY-DYSTROGLYCANOPATHY, LIMB-GIRDLE, POMK-RELATED; Muscular dystrophy-dystroglycanopathy (limb-girdle), type c, 12. Identifiers: Orphanet 445110, MedGen C4015184, MONDO:0014489, OMIM 616094.
POMK & SGK196-related disorders.

Allele frequency attached by ClinVar (database versions not stated): gnomAD 0.00001 and 0.00002; ExAC 0.00002; gnomAD exomes 0.00002; TOPMed 0.00004; 1000 Genomes Project 30x 0.00016; 1000 Genomes Project 0.00020.

Submissions (4):

First Genomix Gene Laboratory, Genetic Diagnostics Department
Classification: Likely pathogenic for Limb-girdle muscular dystrophy due to POMK deficiency; Muscular dystrophy-dystroglycanopathy (congenital with brain and eye anomalies), type a, 12. Last evaluated: 2025-04-30. Review status: criteria provided, single submitter. Criteria: ACMG Guidelines, 2015. Collection method: clinical testing. Allele origin: germline. Inheritance: Autosomal recessive inheritance. Affected: no. Observed: 1 variant allele.

Labcorp Genetics (formerly Invitae), Labcorp
Classification: Pathogenic for Muscular dystrophy-dystroglycanopathy (congenital with brain and eye anomalies), type a, 12; Limb-girdle muscular dystrophy due to POMK deficiency. Last evaluated: 2025-03-31. Review status: criteria provided, single submitter. Criteria: Invitae Variant Classification Sherloc (09022015). Collection method: clinical testing. Allele origin: germline.
Comment: This sequence change creates a premature translational stop signal (p.Gln4*) in the POMK gene. It is expected to result in an absent or disrupted protein product. Loss-of-function variants in POMK are known to be pathogenic (PMID: 24925318). This variant is present in population databases (rs202006335, gnomAD 0.006%). This variant has not been reported in the literature in individuals affected with POMK-related conditions. ClinVar contains an entry for this variant (Variation ID: 849427). For these reasons, this variant has been classified as Pathogenic.

Blueprint Genetics
Classification: Likely pathogenic for POMK & SGK196-related disorders. Last evaluated: 2024-10-10. Review status: criteria provided, single submitter. Criteria: ACMG Guidelines, 2015. Collection method: clinical testing. Allele origin: germline. Affected: yes. Observed: 3 variant alleles.

GeneDx
Classification: Likely pathogenic. Last evaluated: 2023-06-12. Review status: criteria provided, single submitter. Criteria: GeneDx Variant Classification Process June 2021. Collection method: clinical testing. Allele origin: germline.
Comment: Reported using gene name AC113191.1 in a cohort of individuals with cardiovascular disease traits; however, zygosity and clinical information was not provided (PMID: 31345219); Nonsense variant predicted to result in protein truncation or nonsense mediated decay in a gene for which loss of function is a known mechanism of disease; Not observed at significant frequency in large population cohorts (gnomAD); This variant is associated with the following publications: (PMID: 24925318, 31345219)

Literature cited by the submitters: PubMed 24925318 (cited by Labcorp Genetics (formerly Invitae), Labcorp).

NM_032237.5(POMK):c.10C>T (p.Gln4Ter)

Gene: POMK (protein O-mannose kinase; plus strand). Cytogenetic location: 8p11.21.
Variant type: single nucleotide variant.
Coding change: c.10C>T on transcript NM_032237.5 (MANE Select); coding-DNA position 10, C replaced by T.
Protein change: p.Gln4Ter; replaces glutamine 4 with a stop codon.
Molecular consequence: nonsense.
Genome position (GRCh38, 1-based): chr8:43,103,558, C>T. VCF-style: chr8-43103558-C-T. GRCh37 (hg19) VCF-style: chr8-42958701-C-T.
Other names: c.10C>T, p.Gln4Ter (NM_001277971.2); short protein forms Q4*.
Identifiers: ClinVar variation 849427 (VCV000849427.10), dbSNP rs202006335, ClinGen allele CA4736164.